The following is an entry in ClinVar:

ClinVar aggregate classification (germline): Benign/Likely benign. Review status: criteria provided, multiple submitters, no conflicts (2 of 4 stars). 18 submissions from 15 submitters: Benign (5); Likely benign (8). 5 of the submissions do not count toward it. Last evaluated 2026-02-03.

Conditions:
TTN-related disorder. Also called: TTN-related disorders; TTN-related condition; TTN-related disease.
Cardiovascular phenotype. Identifiers: MedGen CN230736.
Autosomal recessive limb-girdle muscular dystrophy type 2J (LGMDR10). Also called: Limb-girdle muscular dystrophy, type 2J; MUSCULAR DYSTROPHY, LIMB-GIRDLE, AUTOSOMAL RECESSIVE 10. Identifiers: Orphanet 140922, MedGen C1837342, MONDO:0012127, OMIM 608807.
Dilated cardiomyopathy 1G (CMD1G). Identifiers: Orphanet 154, MedGen C1858763, MONDO:0011400, OMIM 604145.
Early-onset myopathy with fatal cardiomyopathy (CMYO5). Also called: Salih Myopathy; CONGENITAL MYOPATHY 5 WITH CARDIOMYOPATHY. Identifiers: Orphanet 289377, MedGen C2673677, MONDO:0012714, OMIM 611705. Disease mechanism: loss of function.
Tibial muscular dystrophy (TMD). Also called: Udd Distal Myopathy – Tibial Muscular Dystrophy; UDD MYOPATHY; Tibial muscular dystrophy, tardive. Identifiers: Orphanet 609, MedGen C1838244, MONDO:0010870, OMIM 600334.
Myopathy, myofibrillar, 9, with early respiratory failure (MFM9). Also called: EDSTROM MYOPATHY; MYOPATHY, PROXIMAL, WITH EARLY RESPIRATORY MUSCLE INVOLVEMENT; Hereditary myopathy with early respiratory failure; Myopathy, distal, with early respiratory failure, autosomal dominant. Identifiers: Orphanet 178464, Orphanet 34521, MedGen C1863599, MONDO:0011362, OMIM 603689.
Hypertrophic cardiomyopathy 9. Also called: Familial hypertrophic cardiomyopathy 9. Identifiers: MedGen C1861065, MONDO:0013412, OMIM 613765.

Allele frequency attached by ClinVar (database versions not stated): gnomAD exomes 0.00010 and 0.00016; ExAC 0.00017; 1000 Genomes Project 30x 0.00031; 1000 Genomes Project 0.00040; ESP Exome Variant Server 0.00042; gnomAD 0.00051 and 0.00059; TOPMed 0.00057.
gnomAD v4.1: 218 of 1,613,512 alleles (0.014%); highest among the groups gnomAD compares: African/African-American, 0.17%; no homozygotes.

Submissions (18):

Labcorp Genetics (formerly Invitae), Labcorp
Classification: Benign for Dilated cardiomyopathy 1G; Autosomal recessive limb-girdle muscular dystrophy type 2J. Last evaluated: 2026-02-03. Review status: criteria provided, single submitter. Criteria: Invitae Variant Classification Sherloc (09022015). Collection method: clinical testing. Allele origin: germline.

Blueprint Genetics
Classification: Likely benign. Last evaluated: 2024-08-06. Review status: criteria provided, single submitter. Criteria: ACMG Guidelines, 2015. Collection method: clinical testing. Allele origin: germline.

Women's Health and Genetics/Laboratory Corporation of America, LabCorp
Classification: Likely benign. Last evaluated: 2022-04-04. Review status: criteria provided, single submitter. Criteria: LabCorp Variant Classification Summary - May 2015. Collection method: clinical testing. Allele origin: germline.

Fulgent Genetics
Classification: Likely benign for Tibial muscular dystrophy; Myopathy, myofibrillar, 9, with early respiratory failure; Dilated cardiomyopathy 1G; Autosomal recessive limb-girdle muscular dystrophy type 2J; Early-onset myopathy with fatal cardiomyopathy; Hypertrophic cardiomyopathy 9. Last evaluated: 2021-09-27. Review status: criteria provided, single submitter. Criteria: ACMG Guidelines, 2015. Collection method: clinical testing. Allele origin: unknown.

Genome-Nilou Lab
Classification: Benign for Autosomal recessive limb-girdle muscular dystrophy type 2J. Last evaluated: 2021-09-10. Review status: criteria provided, single submitter. Criteria: ACMG Guidelines, 2015. Collection method: clinical testing. Allele origin: germline. Affected: no.

Genome-Nilou Lab
Classification: Benign for Myopathy, myofibrillar, 9, with early respiratory failure. Last evaluated: 2021-09-10. Review status: criteria provided, single submitter. Criteria: ACMG Guidelines, 2015. Collection method: clinical testing. Allele origin: germline. Affected: no.

Genome-Nilou Lab
Classification: Benign for Early-onset myopathy with fatal cardiomyopathy. Last evaluated: 2021-09-10. Review status: criteria provided, single submitter. Criteria: ACMG Guidelines, 2015. Collection method: clinical testing. Allele origin: germline. Affected: no.

Genome-Nilou Lab
Classification: Benign for Tibial muscular dystrophy. Last evaluated: 2021-09-10. Review status: criteria provided, single submitter. Criteria: ACMG Guidelines, 2015. Collection method: clinical testing. Allele origin: germline. Affected: no.

Athena Diagnostics
Classification: Likely benign. Last evaluated: 2021-01-05. Review status: criteria provided, single submitter. Criteria: Athena Diagnostics criteria. Collection method: clinical testing. Allele origin: unknown.

Ambry Genetics
Classification: Likely benign for Cardiovascular phenotype. Last evaluated: 2019-06-26. Review status: criteria provided, single submitter. Criteria: Ambry Variant Classification Scheme 2023. Collection method: clinical testing. Allele origin: germline.

GeneDx
Classification: Likely benign. Last evaluated: 2017-11-30. Review status: criteria provided, single submitter. Criteria: GeneDx Variant Classification (06012015). Collection method: clinical testing. Allele origin: germline. Affected: yes.
Comment: This variant is considered likely benign or benign based on one or more of the following criteria: it is a conservative change, it occurs at a poorly conserved position in the protein, it is predicted to be benign by multiple in silico algorithms, and/or has population frequency not consistent with disease.

Eurofins Ntd Llc (ga)
Classification: Likely benign. Last evaluated: 2017-02-27. Review status: criteria provided, single submitter. Criteria: EGL Classification Definitions 2015. Collection method: clinical testing. Allele origin: germline. Observed: 2 variant alleles, 2 heterozygotes.

Laboratory for Molecular Medicine, Mass General Brigham Personalized Medicine
Classification: Likely benign. Last evaluated: 2012-03-19. Review status: criteria provided, single submitter. Criteria: LMM Criteria. Collection method: clinical testing. Allele origin: germline. Observed: 2 variant alleles.
Comment: Gln23481Gln in exon 275 of TTN: This variant is not expected to have clinical si gnificance because it does not alter an amino acid residue and is not located wi thin the splice consensus sequence. It has been identified in 0.1% (3/3038) of A frican American chromosomes from a broad population by the NHLBI Exome Sequencin g Project (dbSNP rs149127072). Gln23481Gln in exon 275 of TTN (rs149127072; allele frequency = 0.1%, 3/3038) **

PreventionGenetics, part of Exact Sciences
Classification: Likely benign for TTN-related condition. Last evaluated: 2019-04-05. Review status: no assertion criteria provided. Collection method: clinical testing. Allele origin: germline. Not counted in ClinVar's aggregate classification.
Comment: This variant is classified as likely benign based on ACMG/AMP sequence variant interpretation guidelines (Richards et al. 2015 PMID: 25741868, with internal and published modifications).

Clinical Genetics DNA and cytogenetics Diagnostics Lab, Erasmus MC, Erasmus Medical Center
Classification: Likely benign. Review status: no assertion criteria provided. Collection method: clinical testing. Allele origin: germline. Affected: yes. Study: VKGL Data-share Consensus. Not counted in ClinVar's aggregate classification.

Clinical Genetics, Academic Medical Center
Classification: Benign. Review status: no assertion criteria provided. Collection method: clinical testing. Allele origin: germline. Affected: yes. Study: VKGL Data-share Consensus. Not counted in ClinVar's aggregate classification.

Genome Diagnostics Laboratory, University Medical Center Utrecht
Classification: Likely benign. Review status: no assertion criteria provided. Collection method: clinical testing. Allele origin: germline. Affected: yes. Study: VKGL Data-share Consensus. Not counted in ClinVar's aggregate classification.

Joint Genome Diagnostic Labs from Nijmegen and Maastricht, Radboudumc and MUMC+
Classification: Likely benign. Review status: no assertion criteria provided. Collection method: clinical testing. Allele origin: germline. Affected: yes. Study: VKGL Data-share Consensus. Not counted in ClinVar's aggregate classification.

NM_001267550.2(TTN):c.78147A>G (p.Gln26049=)

Genes: TTN-AS1 (TTN antisense RNA 1; plus strand), TTN (titin; minus strand). Cytogenetic location: 2q31.2.
Variant type: single nucleotide variant.
Coding change: c.78147A>G on transcript NM_001267550.2 (MANE Select); coding-DNA position 78147, A replaced by G.
Protein change: p.Gln26049=; no amino-acid change (glutamine 26049 retained).
Molecular consequence: synonymous variant.
Genome position (GRCh38, 1-based): chr2:178,567,985, T>C on the plus strand (A>G on the coding strand, the complement: TTN is on the minus strand). VCF-style: chr2-178567985-T-C. GRCh37 (hg19) VCF-style: chr2-179432712-T-C.
Other names: c.50952A>G, p.Gln16984= (NM_003319.4); c.51327A>G, p.Gln17109= (NM_133432.3); c.51528A>G, p.Gln17176= (NM_133437.4); c.73224A>G, p.Gln24408= (NM_001256850.1); c.70443A>G, p.Gln23481= (NM_133378.4); c.78147A>G (NM_001267550.1).
Identifiers: ClinVar variation 47364 (VCV000047364.34), dbSNP rs149127072, ClinGen allele CA140806.
Genomic context (GRCh38, chr2:178,567,985, plus strand): 5'-ATTTTCAGCATACACTCTGAATTCATATTCAATGCCTTCTTCAAGATTCTGTGCTTTGAA[T>C]TGGGTGTCATGAATAATAGTTTTGTTGACCTTTGTCCACAAAATACTGTTTCTTTCTTTT-3'
Protein context (NP_001254479.2, residues 26039-26059): KVNKTIIHDT[Gln26049=]FKAQNLEEGI